The following is an entry in ClinVar:

ClinVar aggregate classification (germline): Uncertain significance. Review status: criteria provided, multiple submitters, no conflicts (2 of 4 stars). 3 submissions from 3 submitters: Uncertain significance (3). Last evaluated 2022-06-22.

Conditions:
Inborn genetic diseases. Identifiers: MedGen C0950123, MeSH D030342.

Allele frequency attached by ClinVar (database versions not stated): gnomAD 0.00007 and 0.00008; gnomAD exomes 0.00007 and 0.00008; TOPMed 0.00007; ExAC 0.00012.
gnomAD v4.1: 125 of 1,614,068 alleles (0.0077%); highest among the groups gnomAD compares: Non-Finnish European, 0.01%; no homozygotes.

Submissions (3):

Blueprint Genetics
Classification: Uncertain significance. Last evaluated: 2022-06-22. Review status: criteria provided, single submitter. Criteria: ACMG Guidelines, 2015. Collection method: clinical testing. Allele origin: germline.

Labcorp Genetics (formerly Invitae), Labcorp
Classification: Uncertain significance. Last evaluated: 2021-09-24. Review status: criteria provided, single submitter. Criteria: Invitae Variant Classification Sherloc (09022015). Collection method: clinical testing. Allele origin: germline.
Comment: This sequence change replaces glutamic acid with glycine at codon 67 of the MAB21L2 protein (p.Glu67Gly). The glutamic acid residue is highly conserved and there is a moderate physicochemical difference between glutamic acid and glycine. This variant is present in population databases (rs199885285, ExAC 0.02%), and has an allele count higher than expected for a pathogenic variant (PMID: 28166811). This variant has not been reported in the literature in individuals with MAB21L2-related conditions. Algorithms developed to predict the effect of missense changes on protein structure and function (SIFT, PolyPhen-2, Align-GVGD) all suggest that this variant is likely to be tolerated, but these predictions have not been confirmed by published functional studies and their clinical significance is uncertain. In summary, the available evidence is currently insufficient to determine the role of this variant in disease. Therefore, it has been classified as a Variant of Uncertain Significance.

Ambry Genetics
Classification: Uncertain significance for Inborn genetic diseases. Last evaluated: 2021-07-15. Review status: criteria provided, single submitter. Criteria: Ambry Variant Classification Scheme 2023. Collection method: clinical testing. Allele origin: germline.

Literature cited by the submitters: PubMed 28166811 (cited by Labcorp Genetics (formerly Invitae), Labcorp).

NM_006439.5(MAB21L2):c.200A>G (p.Glu67Gly)

Genes: LRBA (LPS responsive beige-like anchor protein; minus strand), MAB21L2 (mab-21 like 2; plus strand). Cytogenetic location: 4q31.3.
Variant type: single nucleotide variant.
Coding change: c.200A>G on transcript NM_006439.5 (MANE Select); coding-DNA position 200, A replaced by G.
Protein change: p.Glu67Gly; replaces glutamic acid 67 with glycine.
Molecular consequence: missense variant. On other transcripts: intron variant (6).
Genome position (GRCh38, 1-based): chr4:150,583,229, A>G. VCF-style: chr4-150583229-A-G. GRCh37 (hg19) VCF-style: chr4-151504381-A-G.
Other names: c.6330+4819T>C (NM_001367550.1, NM_001199282.3, NM_001364905.1 and 1 more transcripts); c.6363+4819T>C (NM_006726.5, NM_001440430.1); short protein forms E67G.
Identifiers: ClinVar variation 1490377 (VCV001490377.7), dbSNP rs199885285, ClinGen allele CA3102036.
Genomic context (GRCh38, chr4:150,583,229, plus strand): 5'-TGCAGGAGCCTCGCTTCATCAGCTCCTTGAGCGAGATCGATGCCCGCTACGAGGGGCTCG[A>G]GGTCATTTCGCCCACCGAATTTGAGGTGGTGCTCTACCTAAACCAGATGGGCGTCTTCAA-3'
Protein context (NP_006430.1, residues 57-77): SEIDARYEGL[Glu67Gly]VISPTEFEVV